The following is an entry in ClinVar:

ClinVar aggregate classification (germline): Uncertain significance. Review status: criteria provided, multiple submitters, no conflicts (2 of 4 stars). 2 submissions from 2 submitters: Uncertain significance (2). Last evaluated 2025-03-15.

Conditions:
Inborn genetic diseases. Identifiers: MedGen C0950123, MeSH D030342.

Allele frequency attached by ClinVar (database versions not stated): gnomAD 0.00001; gnomAD exomes 0.00002; TOPMed 0.00003; ExAC 0.00002.
gnomAD v4.1: 30 of 1,614,054 alleles (0.0019%); highest among the groups gnomAD compares: South Asian, 0.0077%; no homozygotes.

Submissions (2):

Ambry Genetics
Classification: Uncertain significance for Inborn genetic diseases. Last evaluated: 2025-03-15. Review status: criteria provided, single submitter. Criteria: Ambry Variant Classification Scheme 2023. Collection method: clinical testing. Allele origin: germline.

Labcorp Genetics (formerly Invitae), Labcorp
Classification: Uncertain significance. Last evaluated: 2022-07-06. Review status: criteria provided, single submitter. Criteria: Invitae Variant Classification Sherloc (09022015). Collection method: clinical testing. Allele origin: germline.
Comment: This sequence change replaces threonine, which is neutral and polar, with methionine, which is neutral and non-polar, at codon 378 of the LPIN1 protein (p.Thr378Met). This variant is present in population databases (rs754012602, gnomAD 0.01%). This variant has not been reported in the literature in individuals affected with LPIN1-related conditions. Algorithms developed to predict the effect of missense changes on protein structure and function output the following: SIFT: "Deleterious"; PolyPhen-2: "Benign"; Align-GVGD: "Class C0". The methionine amino acid residue is found in multiple mammalian species, which suggests that this missense change does not adversely affect protein function. In summary, the available evidence is currently insufficient to determine the role of this variant in disease. Therefore, it has been classified as a Variant of Uncertain Significance.

NM_001349206.2(LPIN1):c.1241C>T (p.Thr414Met)

Gene: LPIN1 (lipin 1; plus strand). Cytogenetic location: 2p25.1.
Variant type: single nucleotide variant.
Coding change: c.1241C>T on transcript NM_001349206.2 (MANE Select); coding-DNA position 1241, C replaced by T.
Protein change: p.Thr414Met; replaces threonine 414 with methionine.
Molecular consequence: missense variant. On other transcripts: non-coding transcript variant (1).
Genome position (GRCh38, 1-based): chr2:11,782,484, C>T. VCF-style: chr2-11782484-C-T. GRCh37 (hg19) VCF-style: chr2-11922610-C-T.
Other names: c.1151C>T, p.Thr384Met (NM_001261427.3); c.1388C>T, p.Thr463Met (NM_001261428.3); c.1133C>T, p.Thr378Met (NM_001349199.2, NM_001349200.2, NM_001349201.2 and 1 more transcripts); c.1238C>T, p.Thr413Met (NM_001349202.2, NM_001349203.2); c.1241C>T, p.Thr414Met (NM_001349204.2, NM_001349205.2); c.1331C>T, p.Thr444Met (NM_001349207.2); c.1280C>T, p.Thr427Met (NM_001349208.2); c.1133C>T (NM_145693.1); short protein forms T414M, T378M, T427M, T444M, T463M, T384M, T413M.
Identifiers: ClinVar variation 2081376 (VCV002081376.2), dbSNP rs754012602, ClinGen allele CA1533634.
Genomic context (GRCh38, chr2:11,782,484, plus strand): 5'-TGCCCATGATCGAGGAGCTCAAACCCCCCTCTGCCAGTGTAGTCCAGACAGCAAACAAGA[C>T]GGATTCTCCTTCCAGGAAAAGAGGTACCAAGGCTGGGGCTTCCCGGCTCTTTTTCTGTTC-3'
Protein context (NP_001336135.1, residues 404-424): SASVVQTANK[Thr414Met]DSPSRKRDKR